The following is an entry in ClinVar:

NM_001258392.3(CLPB):c.1994G>C (p.Arg665Pro)

Gene: CLPB (ClpB family mitochondrial disaggregase; minus strand). Cytogenetic location: 11q13.4.
Variant type: single nucleotide variant.
Coding change: c.1994G>C on transcript NM_001258392.3 (MANE Select); coding-DNA position 1994, G replaced by C.
Protein change: p.Arg665Pro; replaces arginine 665 with proline.
Molecular consequence: missense variant.
Genome position (GRCh38, 1-based): chr11:72,293,407, C>G on the plus strand (G>C on the coding strand, the complement: CLPB is on the minus strand). VCF-style: chr11-72293407-C-G. GRCh37 (hg19) VCF-style: chr11-72004451-C-G.
Other names: c.1907G>C, p.Arg636Pro (NM_001258393.3); c.1949G>C, p.Arg650Pro (NM_001258394.3); c.2084G>C, p.Arg695Pro (NM_030813.6); short protein forms R636P, R650P, R665P, R695P.
Identifiers: ClinVar variation 1695769 (VCV001695769.2), dbSNP rs374538248, ClinGen allele CA381722894.

ClinVar aggregate classification (germline): Uncertain significance (1 of 4 stars; one submission).

gnomAD v4.1: 1 of 1,614,118 alleles (0.000062%); highest among the groups gnomAD compares: Non-Finnish European, 0.000085%; no homozygotes.

Submission:

GeneDx
Classification: Uncertain significance. Last evaluated: 2022-01-10. Review status: criteria provided, single submitter. Criteria: GeneDx Variant Classification Process June 2021. Collection method: clinical testing. Allele origin: germline. Affected: yes.
Comment: Not observed at significant frequency in large population cohorts (gnomAD); In silico analysis supports that this missense variant does not alter protein structure/function; Has not been previously published as pathogenic or benign to our knowledge